The following is an entry in ClinVar:

ClinVar aggregate classification (germline): Pathogenic (1 of 4 stars; one submission).

Submission:

Labcorp Genetics (formerly Invitae), Labcorp
Classification: Pathogenic. Last evaluated: 2022-11-07. Review status: criteria provided, single submitter. Criteria: Invitae Variant Classification Sherloc (09022015). Collection method: clinical testing. Allele origin: germline.
Comment: This sequence change creates a premature translational stop signal (p.Arg1367*) in the SZT2 gene. It is expected to result in an absent or disrupted protein product. Loss-of-function variants in SZT2 are known to be pathogenic (PMID: 23932106, 27248490, 28556953). This variant is not present in population databases (gnomAD no frequency). This variant has not been reported in the literature in individuals affected with SZT2-related conditions. For these reasons, this variant has been classified as Pathogenic.

Literature cited by the submitters: PubMed 23932106; PubMed 27248490; PubMed 28556953.

NM_001365999.1(SZT2):c.4270A>T (p.Arg1424Ter)

Gene: SZT2 (SZT2 subunit of KICSTOR complex; plus strand). Cytogenetic location: 1p34.2.
Variant type: single nucleotide variant.
Coding change: c.4270A>T on transcript NM_001365999.1 (MANE Select); coding-DNA position 4270, A replaced by T.
Protein change: p.Arg1424Ter; replaces arginine 1424 with a stop codon.
Molecular consequence: nonsense.
Genome position (GRCh38, 1-based): chr1:43,429,806, A>T. VCF-style: chr1-43429806-A-T. GRCh37 (hg19) VCF-style: chr1-43895477-A-T.
Other names: c.4099A>T, p.Arg1367Ter (NM_015284.4); short protein forms R1367*, R1424*.
Identifiers: ClinVar variation 2812528 (VCV002812528.3), dbSNP rs1187853717, ClinGen allele CA340020665.